The following is an entry in ClinVar:

NM_001267550.2(TTN):c.39818-4_39821delinsA

Gene: TTN (titin; minus strand). Cytogenetic location: 2q31.2.
Variant type: Indel.
Coding change: c.39818-4_39821delinsA on transcript NM_001267550.2 (MANE Select); 4 bases into the intron before coding-DNA position 39818 through coding-DNA position 39821, CAAGTGCC replaced by A.
Molecular consequence: splice acceptor variant. On other transcripts: intron variant (3).
Genome position (GRCh38, 1-based): chr2:178,649,891-178,649,898, GGCACTTG replaced by T on the plus strand (CAAGTGCC replaced by A on the coding strand, the reverse complement: TTN is on the minus strand). VCF-style: chr2-178649891-GGCACTTG-T. GRCh37 (hg19) VCF-style: chr2-179514618-GGCACTTG-T.
Other names: c.13283-7581_13283-7574delinsA (NM_003319.4); c.13859-7581_13859-7574delinsA (NM_133437.4); c.13658-7581_13658-7574delinsA (NM_133432.3); c.32516-4_32519delinsA (NM_133378.4); c.35297-4_35300delinsA (NM_001256850.1).
Identifiers: ClinVar variation 1311834 (VCV001311834.3), dbSNP rs2062659844, ClinGen allele CA2573051793.

ClinVar aggregate classification (germline): Uncertain significance. Review status: criteria provided, multiple submitters, no conflicts (2 of 4 stars). 2 submissions from 2 submitters: Uncertain significance (2). Last evaluated 2021-10-14.

Conditions:
Autosomal recessive limb-girdle muscular dystrophy type 2J (LGMDR10). Also called: Limb-girdle muscular dystrophy, type 2J; MUSCULAR DYSTROPHY, LIMB-GIRDLE, AUTOSOMAL RECESSIVE 10. Identifiers: Orphanet 140922, MedGen C1837342, MONDO:0012127, OMIM 608807.
Hypertrophic cardiomyopathy 9. Also called: Familial hypertrophic cardiomyopathy 9. Identifiers: MedGen C1861065, MONDO:0013412, OMIM 613765.
Early-onset myopathy with fatal cardiomyopathy (CMYO5). Also called: CONGENITAL MYOPATHY 5 WITH CARDIOMYOPATHY; Salih Myopathy. Identifiers: Orphanet 289377, MedGen C2673677, MONDO:0012714, OMIM 611705. Disease mechanism: loss of function.
Dilated cardiomyopathy 1G (CMD1G). Identifiers: Orphanet 154, MedGen C1858763, MONDO:0011400, OMIM 604145.
Myopathy, myofibrillar, 9, with early respiratory failure (MFM9). Also called: Hereditary myopathy with early respiratory failure; EDSTROM MYOPATHY; MYOPATHY, PROXIMAL, WITH EARLY RESPIRATORY MUSCLE INVOLVEMENT; Myopathy, distal, with early respiratory failure, autosomal dominant. Identifiers: Orphanet 178464, Orphanet 34521, MedGen C1863599, MONDO:0011362, OMIM 603689.
Tibial muscular dystrophy (TMD). Also called: Udd Distal Myopathy – Tibial Muscular Dystrophy; UDD MYOPATHY; Tibial muscular dystrophy, tardive. Identifiers: Orphanet 609, MedGen C1838244, MONDO:0010870, OMIM 600334.

Submissions (2):

Fulgent Genetics
Classification: Uncertain significance for Tibial muscular dystrophy; Myopathy, myofibrillar, 9, with early respiratory failure; Dilated cardiomyopathy 1G; Autosomal recessive limb-girdle muscular dystrophy type 2J; Early-onset myopathy with fatal cardiomyopathy; Hypertrophic cardiomyopathy 9. Last evaluated: 2021-10-14. Review status: criteria provided, single submitter. Criteria: ACMG Guidelines, 2015. Collection method: clinical testing. Allele origin: unknown.

GeneDx
Classification: Uncertain significance. Last evaluated: 2020-01-07. Review status: criteria provided, single submitter. Criteria: GeneDx Variant Classification Process June 2021. Collection method: clinical testing. Allele origin: germline. Affected: yes.
Comment: Has not been previously published as pathogenic or benign to our knowledge; Not observed in large population cohorts (Lek et al., 2016); Located in the I-band region; however, this variant is not located in one of the constitutive exons. Studies suggest that truncating variants affecting constitutive exons throughout the TTN gene are significantly associated with DCM (Deo, 2016; Schafer et al., 2017); Deletes part of exon 166 and removes the canonical acceptor splice site of intron 165; in the absence of RNA/functional studies, the actual effect of this sequence change is unknown